The following is an entry in ClinVar:

NM_001242896.3(DEPDC5):c.1639A>G (p.Ser547Gly)

Gene: DEPDC5 (DEP domain containing 5, GATOR1 subcomplex subunit; plus strand). Cytogenetic location: 22q12.3.
Variant type: single nucleotide variant.
Coding change: c.1639A>G on transcript NM_001242896.3 (MANE Select); coding-DNA position 1639, A replaced by G.
Protein change: p.Ser547Gly; replaces serine 547 with glycine.
Molecular consequence: missense variant. On other transcripts: non-coding transcript variant (5).
Genome position (GRCh38, 1-based): chr22:31,815,185, A>G. VCF-style: chr22-31815185-A-G. GRCh37 (hg19) VCF-style: chr22-32211171-A-G.
Other names: c.1639A>G, p.Ser547Gly (NM_001007188.4, NM_001136029.4, NM_001242897.2 and 7 more transcripts); c.1555A>G, p.Ser519Gly (NM_001369901.1, NM_001369902.1); short protein forms S519G, S547G.
Identifiers: ClinVar variation 5037294 (VCV005037294.1).

ClinVar aggregate classification (germline): Uncertain significance (1 of 4 stars; one submission).

Submission:

GeneDx
Classification: Uncertain significance. Last evaluated: 2026-04-18. Review status: criteria provided, single submitter. Criteria: GeneDx Variant Classification Process June 2021. Collection method: clinical testing. Allele origin: germline.
Comment: Not observed at significant frequency in large population cohorts (gnomAD); In silico analysis suggests that this missense variant does not alter protein structure/function; Has not been previously published as pathogenic or benign to our knowledge